The following is an entry in ClinVar:

ClinVar aggregate classification (germline): Likely benign. Review status: criteria provided, multiple submitters, no conflicts (2 of 4 stars). 3 submissions from 3 submitters: Likely benign (2). 1 of the submissions does not count toward it. Last evaluated 2025-11-25.

Conditions:
C2CD3-related disorder. Also called: C2CD3-related condition.

Allele frequency attached by ClinVar (database versions not stated): gnomAD 0.00005 and 0.00008; ExAC 0.00007; gnomAD exomes 0.00008; TOPMed 0.00012; 1000 Genomes Project 30x 0.00016; 1000 Genomes Project 0.00020.
gnomAD v4.1: 121 of 1,614,048 alleles (0.0075%); highest among the groups gnomAD compares: East Asian, 0.065%; no homozygotes.

Submissions (3):

Labcorp Genetics (formerly Invitae), Labcorp
Classification: Likely benign. Last evaluated: 2025-11-25. Review status: criteria provided, single submitter. Criteria: Invitae Variant Classification Sherloc (09022015). Collection method: clinical testing. Allele origin: germline.

Blueprint Genetics
Classification: Likely benign. Last evaluated: 2024-03-07. Review status: criteria provided, single submitter. Criteria: ACMG Guidelines, 2015. Collection method: clinical testing. Allele origin: germline.

PreventionGenetics, part of Exact Sciences
Classification: Likely benign for C2CD3-related condition. Last evaluated: 2019-06-19. Review status: no assertion criteria provided. Collection method: clinical testing. Allele origin: germline. Not counted in ClinVar's aggregate classification.
Comment: This variant is classified as likely benign based on ACMG/AMP sequence variant interpretation guidelines (Richards et al. 2015 PMID: 25741868, with internal and published modifications).

NM_001286577.2(C2CD3):c.3687C>T (p.Val1229=)

Gene: C2CD3 (C2 domain containing 3 centriole elongation regulator; minus strand). Cytogenetic location: 11q13.4.
Variant type: single nucleotide variant.
Coding change: c.3687C>T on transcript NM_001286577.2 (MANE Select); coding-DNA position 3687, C replaced by T.
Protein change: p.Val1229=; no amino-acid change (valine 1229 retained).
Molecular consequence: synonymous variant.
Genome position (GRCh38, 1-based): chr11:74,085,841, G>A on the plus strand (C>T on the coding strand, the complement: C2CD3 is on the minus strand). VCF-style: chr11-74085841-G-A. GRCh37 (hg19) VCF-style: chr11-73796886-G-A.
Other names: c.3687C>T, p.Val1229= (NM_015531.6); c.3687C>T (NM_015531.5).
Identifiers: ClinVar variation 1592111 (VCV001592111.11), dbSNP rs200072062, ClinGen allele CA6182310.